The following is an entry in ClinVar:

ClinVar aggregate classification (germline): Uncertain significance. Review status: criteria provided, multiple submitters, no conflicts (2 of 4 stars). 2 submissions from 2 submitters: Uncertain significance (2). Last evaluated 2024-04-21.

Conditions:
Primary dilated cardiomyopathy (DCM). Also called: Dilated Cardiomyopathy. Identifiers: Orphanet 217604, MedGen C0007193, MeSH D002311, MONDO:0005021, HP:0001644. Inheritance: Various modes of inheritance.

Allele frequency attached by ClinVar (database versions not stated): gnomAD 0.00002; gnomAD exomes 0.00002; TOPMed 0.00002; ESP Exome Variant Server 0.00008.

Submissions (2):

Ambry Genetics
Classification: Uncertain significance. Last evaluated: 2024-04-21. Review status: criteria provided, single submitter. Criteria: Ambry Variant Classification Scheme 2023. Collection method: clinical testing. Allele origin: germline.
Comment: The p.Y54C variant (also known as c.161A>G), located in coding exon 3 of the NEBL gene, results from an A to G substitution at nucleotide position 161. The tyrosine at codon 54 is replaced by cysteine, an amino acid with highly dissimilar properties. This amino acid position is conserved. In addition, this alteration is predicted to be deleterious by in silico analysis. Based on the available evidence, the clinical significance of this variant remains unclear.

Labcorp Genetics (formerly Invitae), Labcorp
Classification: Uncertain significance for Primary dilated cardiomyopathy. Last evaluated: 2022-10-07. Review status: criteria provided, single submitter. Criteria: Invitae Variant Classification Sherloc (09022015). Collection method: clinical testing. Allele origin: germline.
Comment: This sequence change replaces tyrosine, which is neutral and polar, with cysteine, which is neutral and slightly polar, at codon 54 of the NEBL protein (p.Tyr54Cys). In summary, the available evidence is currently insufficient to determine the role of this variant in disease. Therefore, it has been classified as a Variant of Uncertain Significance. Algorithms developed to predict the effect of missense changes on protein structure and function are either unavailable or do not agree on the potential impact of this missense change (SIFT: "Deleterious"; PolyPhen-2: "Probably Damaging"; Align-GVGD: "Class C15"). This variant has not been reported in the literature in individuals affected with NEBL-related conditions. This variant is present in population databases (rs145025995, gnomAD 0.007%).

NM_006393.3(NEBL):c.161A>G (p.Tyr54Cys)

Gene: NEBL (nebulette; minus strand). Cytogenetic location: 10p12.31.
Variant type: single nucleotide variant.
Coding change: c.161A>G on transcript NM_006393.3 (MANE Select); coding-DNA position 161, A replaced by G.
Protein change: p.Tyr54Cys; replaces tyrosine 54 with cysteine.
Molecular consequence: missense variant. On other transcripts: intron variant (9).
Genome position (GRCh38, 1-based): chr10:20,889,942, T>C on the plus strand (A>G on the coding strand, the complement: NEBL is on the minus strand). VCF-style: chr10-20889942-T-C. GRCh37 (hg19) VCF-style: chr10-21178871-T-C.
Other names: c.249+71730A>G (NM_001377326.1, NM_001377327.1, NM_001377328.1); c.357+71730A>G (NM_213569.2, NM_001173484.2, NM_001377322.1); c.300+71730A>G (NM_001377324.1); c.291+71730A>G (NM_001377325.1); c.309+71730A>G (NM_001377323.1); short protein forms Y54C.
Identifiers: ClinVar variation 2195620 (VCV002195620.5), dbSNP rs145025995, ClinGen allele CA204173170.
Genomic context (GRCh38, chr10:20,889,942, plus strand): 5'-AGCATAGGACTGTCAGTCACAAATGTACACTTATCCTTGGACTTTTTAAACTCTTCTTTA[T>C]AACGGATCTAAAAAAGAGAATGATTTACATAAGAAGAGAAAAAGAAAAACAATTCTAATG-3'
Protein context (NP_006384.1, residues 44-64): KCTELISDIR[Tyr54Cys]KEEFKKSKDK